The following is an entry in ClinVar:

NM_207361.6(FREM2):c.6273G>A (p.Ala2091=)

Gene: FREM2 (FRAS1 related extracellular matrix 2; plus strand). Cytogenetic location: 13q13.3.
Variant type: single nucleotide variant.
Coding change: c.6273G>A on transcript NM_207361.6 (MANE Select); coding-DNA position 6273, G replaced by A.
Protein change: p.Ala2091=; no amino-acid change (alanine 2091 retained).
Molecular consequence: synonymous variant.
Genome position (GRCh38, 1-based): chr13:38,848,564, G>A. VCF-style: chr13-38848564-G-A. GRCh37 (hg19) VCF-style: chr13-39422701-G-A.
Other names: c.6273G>A (NM_207361.5).
Identifiers: ClinVar variation 312004 (VCV000312004.10), dbSNP rs769687764, ClinGen allele CA6955502.

ClinVar aggregate classification (germline): Conflicting classifications of pathogenicity. Review status: criteria provided, conflicting classifications (1 of 4 stars). 3 submissions from 3 submitters: Uncertain significance (1); Likely benign (1). 1 of the submissions does not count toward it. Last evaluated 2026-01-26.

Conditions:
FREM2-related disorder. Also called: FREM2-related condition.
Fraser syndrome 2 (FRASRS2). Identifiers: MedGen C4540036, MONDO:0054738, OMIM 617666.

Allele frequency attached by ClinVar (database versions not stated): TOPMed 0.00008; gnomAD 0.00010 and 0.00011.
gnomAD v4.1: 300 of 1,613,930 alleles (0.019%); highest among the groups gnomAD compares: Middle Eastern, 0.033%; 1 homozygote.

Submissions (3):

Labcorp Genetics (formerly Invitae), Labcorp
Classification: Likely benign. Last evaluated: 2026-01-26. Review status: criteria provided, single submitter. Criteria: Invitae Variant Classification Sherloc (09022015). Collection method: clinical testing. Allele origin: germline.

Illumina Laboratory Services, Illumina
Classification: Uncertain significance for Fraser syndrome 2. Last evaluated: 2018-01-12. Review status: criteria provided, single submitter. Criteria: ICSL Variant Classification Criteria 13 December 2019. Collection method: clinical testing. Allele origin: germline.

PreventionGenetics, part of Exact Sciences
Classification: Likely benign for FREM2-related condition. Last evaluated: 2020-01-16. Review status: no assertion criteria provided. Collection method: clinical testing. Allele origin: germline. Not counted in ClinVar's aggregate classification.
Comment: This variant is classified as likely benign based on ACMG/AMP sequence variant interpretation guidelines (Richards et al. 2015 PMID: 25741868, with internal and published modifications).